The following is an entry in ClinVar:

ClinVar aggregate classification (germline): Uncertain significance. Review status: criteria provided, multiple submitters, no conflicts (2 of 4 stars). 2 submissions from 2 submitters: Uncertain significance (2). Last evaluated 2025-06-18.

Conditions:
Congenital contractural arachnodactyly (CCA). Also called: BEALS SYNDROME; Beals-Hecht syndrome; Arthrogryposis, distal, type 9. Identifiers: Orphanet 115, MedGen C0220668, MONDO:0007363, OMIM 121050.

Allele frequency attached by ClinVar (database versions not stated): gnomAD 0.00001; gnomAD exomes 0.00001; ExAC 0.00002; TOPMed 0.00002.
gnomAD v4.1: 17 of 1,613,522 alleles (0.0011%); highest among the groups gnomAD compares: Non-Finnish European, 0.0014%; no homozygotes.

Submissions (2):

Mayo Clinic Laboratories, Mayo Clinic
Classification: Uncertain significance. Last evaluated: 2025-06-18. Review status: criteria provided, single submitter. Criteria: ACMG Guidelines, 2015. Collection method: clinical testing. Allele origin: germline. Observed: 1 variant allele.
Comment: BS1

Labcorp Genetics (formerly Invitae), Labcorp
Classification: Uncertain significance for Congenital contractural arachnodactyly. Last evaluated: 2024-11-24. Review status: criteria provided, single submitter. Criteria: Invitae Variant Classification Sherloc (09022015). Collection method: clinical testing. Allele origin: germline.
Comment: This sequence change replaces isoleucine, which is neutral and non-polar, with methionine, which is neutral and non-polar, at codon 1220 of the FBN2 protein (p.Ile1220Met). This variant is present in population databases (rs558632824, gnomAD 0.004%). This variant has not been reported in the literature in individuals affected with FBN2-related conditions. ClinVar contains an entry for this variant (Variation ID: 854872). Invitae Evidence Modeling of protein sequence and biophysical properties (such as structural, functional, and spatial information, amino acid conservation, physicochemical variation, residue mobility, and thermodynamic stability) indicates that this missense variant is not expected to disrupt FBN2 protein function with a negative predictive value of 80%. In summary, the available evidence is currently insufficient to determine the role of this variant in disease. Therefore, it has been classified as a Variant of Uncertain Significance.

NM_001999.4(FBN2):c.3660T>G (p.Ile1220Met)

Gene: FBN2 (fibrillin 2; minus strand). Cytogenetic location: 5q23.3.
Variant type: single nucleotide variant.
Coding change: c.3660T>G on transcript NM_001999.4 (MANE Select); coding-DNA position 3660, T replaced by G.
Protein change: p.Ile1220Met; replaces isoleucine 1220 with methionine.
Molecular consequence: missense variant.
Genome position (GRCh38, 1-based): chr5:128,336,052, A>C on the plus strand (T>G on the coding strand, the complement: FBN2 is on the minus strand). VCF-style: chr5-128336052-A-C. GRCh37 (hg19) VCF-style: chr5-127671744-A-C.
Other names: p.Ile1220Met; short protein forms I1220M.
Identifiers: ClinVar variation 854872 (VCV000854872.11), dbSNP rs558632824, ClinGen allele CA3395173.